The following is an entry in ClinVar:

NM_020686.6(ABAT):c.1129C>T (p.Arg377Trp)

Gene: ABAT (4-aminobutyrate aminotransferase; plus strand). Cytogenetic location: 16p13.2.
Variant type: single nucleotide variant.
Coding change: c.1129C>T on transcript NM_020686.6 (MANE Select); coding-DNA position 1129, C replaced by T.
Protein change: p.Arg377Trp; replaces arginine 377 with tryptophan.
Molecular consequence: missense variant.
Genome position (GRCh38, 1-based): chr16:8,776,350, C>T. VCF-style: chr16-8776350-C-T. GRCh37 (hg19) VCF-style: chr16-8870207-C-T.
Other names: c.1129C>T, p.Arg377Trp (NM_000663.5, NM_001127448.2, NM_001386600.1 and 6 more transcripts); c.1090C>T, p.Arg364Trp (NM_001386605.1); c.1066C>T, p.Arg356Trp (NM_001386606.1, NM_001386607.1); c.1036C>T, p.Arg346Trp (NM_001386608.1); c.994C>T, p.Arg332Trp (NM_001386610.1, NM_001386611.1); c.931C>T, p.Arg311Trp (NM_001386612.1, NM_001386613.1); c.883C>T, p.Arg295Trp (NM_001386614.1); c.1225C>T, p.Arg409Trp (NM_001386615.1); short protein forms R377W, R295W, R311W, R332W, R346W, R356W, R364W, R409W.
Identifiers: ClinVar variation 438389 (VCV000438389.11), dbSNP rs1330995774, ClinGen allele CA394690145.

ClinVar aggregate classification (germline): Uncertain significance. Review status: criteria provided, single submitter (1 of 4 stars). 2 submissions from 2 submitters: Uncertain significance (1). 1 of the submissions does not count toward it. Last evaluated 2020-02-10.

Conditions:
Gamma-aminobutyric acid transaminase deficiency (GABATD). Also called: GABA transaminase deficiency; Gamma aminobutyrate transaminase deficiency; 4 alpha aminobutyrate transaminase deficiency; GABA aminotransaminase deficiency. Identifiers: Orphanet 2066, MedGen C0342708, MONDO:0013166, OMIM 613163.

Allele frequency attached by ClinVar (database versions not stated): gnomAD exomes below 0.00001; gnomAD 0.00001.
gnomAD v4.1: 8 of 1,614,050 alleles (0.0005%); highest among the groups gnomAD compares: East Asian, 0.0022%; no homozygotes.

Submissions (2):

Labcorp Genetics (formerly Invitae), Labcorp
Classification: Uncertain significance for Gamma-aminobutyric acid transaminase deficiency. Last evaluated: 2020-02-10. Review status: criteria provided, single submitter. Criteria: Invitae Variant Classification Sherloc (09022015). Collection method: clinical testing. Allele origin: germline.
Comment: In summary, the available evidence is currently insufficient to determine the role of this variant in disease. Therefore, it has been classified as a Variant of Uncertain Significance. Algorithms developed to predict the effect of missense changes on protein structure and function are either unavailable or do not agree on the potential impact of this missense change (SIFT: "Deleterious"; PolyPhen-2: "Probably Damaging"; Align-GVGD: "Class C0"). This variant has been observed as homozygous in an individual affected with early infantile-onset encephalopathy (PMID: 28411234). ClinVar contains an entry for this variant (Variation ID: 438389). This variant is not present in population databases (ExAC no frequency). This sequence change replaces arginine with tryptophan at codon 377 of the ABAT protein (p.Arg377Trp). The arginine residue is highly conserved and there is a moderate physicochemical difference between arginine and tryptophan.

OMIM
Classification: Pathogenic for GABA-TRANSAMINASE DEFICIENCY. Last evaluated: 2023-10-25. Review status: no assertion criteria provided. Collection method: literature only. Allele origin: germline. Not counted in ClinVar's aggregate classification.

Literature cited by the submitters: PubMed 28411234 (cited by Labcorp Genetics (formerly Invitae), Labcorp and OMIM).